The following is an entry in ClinVar:

NM_001040142.2(SCN2A):c.4141A>G (p.Asn1381Asp)

Gene: SCN2A (sodium voltage-gated channel alpha subunit 2; plus strand). Cytogenetic location: 2q24.3.
Variant type: single nucleotide variant.
Coding change: c.4141A>G on transcript NM_001040142.2 (MANE Select); coding-DNA position 4141, A replaced by G.
Protein change: p.Asn1381Asp; replaces asparagine 1381 with aspartic acid.
Molecular consequence: missense variant.
Genome position (GRCh38, 1-based): chr2:165,374,853, A>G. VCF-style: chr2-165374853-A-G. GRCh37 (hg19) VCF-style: chr2-166231363-A-G.
Other names: c.4141A>G, p.Asn1381Asp (NM_001040143.2, NM_001371246.1, NM_001371247.1 and 1 more transcripts); short protein forms N1381D.
Identifiers: ClinVar variation 3760981 (VCV003760981.2).

ClinVar aggregate classification (germline): Uncertain significance (1 of 4 stars; one submission).

Conditions:
Developmental and epileptic encephalopathy, 11 (DEE11). Also called: Early infantile epileptic encephalopathy 11. Identifiers: Orphanet 1934, MedGen C3150987, MONDO:0013388, OMIM 613721.
Seizures, benign familial infantile, 3 (BFIS3). Also called: Familial neonatal seizures; CONVULSIONS, BENIGN FAMILIAL INFANTILE, 3. Identifiers: Orphanet 140927, Orphanet 306, MedGen C1843140, MONDO:0011904, OMIM 607745.

Submission:

Labcorp Genetics (formerly Invitae), Labcorp
Classification: Uncertain significance for Seizures, benign familial infantile, 3; Developmental and epileptic encephalopathy, 11. Last evaluated: 2024-10-29. Review status: criteria provided, single submitter. Criteria: Invitae Variant Classification Sherloc (09022015). Collection method: clinical testing. Allele origin: germline.
Comment: This sequence change replaces asparagine, which is neutral and polar, with aspartic acid, which is acidic and polar, at codon 1381 of the SCN2A protein (p.Asn1381Asp). This variant is not present in population databases (gnomAD no frequency). This variant has not been reported in the literature in individuals affected with SCN2A-related conditions. Invitae Evidence Modeling of protein sequence and biophysical properties (such as structural, functional, and spatial information, amino acid conservation, physicochemical variation, residue mobility, and thermodynamic stability) indicates that this missense variant is not expected to disrupt SCN2A protein function with a negative predictive value of 95%. In summary, the available evidence is currently insufficient to determine the role of this variant in disease. Therefore, it has been classified as a Variant of Uncertain Significance.